The following is an entry in ClinVar:

NM_001377299.1(NDUFS2):c.412C>T (p.Arg138Trp)

Gene: NDUFS2 (NADH:ubiquinone oxidoreductase core subunit S2; plus strand). Cytogenetic location: 1q23.3.
Variant type: single nucleotide variant.
Coding change: c.412C>T on transcript NM_001377299.1 (MANE Select); coding-DNA position 412, C replaced by T.
Protein change: p.Arg138Trp; replaces arginine 138 with tryptophan.
Molecular consequence: missense variant. On other transcripts: non-coding transcript variant (1).
Genome position (GRCh38, 1-based): chr1:161,209,211, C>T. VCF-style: chr1-161209211-C-T. GRCh37 (hg19) VCF-style: chr1-161179001-C-T.
Other names: c.412C>T (NM_004550.4); c.412C>T, p.Arg138Trp (NM_001166159.2, NM_001377298.1, NM_001377300.1 and 3 more transcripts); short protein forms R138W.
Identifiers: ClinVar variation 1422418 (VCV001422418.9), dbSNP rs1665634865, ClinGen allele CA343379081.
Genomic context (GRCh38, chr1:161,209,211, plus strand): 5'-CTGAGCCTGTTAGATGTGACCCACATTCCTCCCTCTTCCCAGGCCCTTCCATACTTTGAC[C>T]GGCTAGACTATGTGTCCATGATGTGTAACGAACAGGCCTATTCTCTAGCTGTGGAGAAGT-3'
Protein context (NP_001364228.1, residues 128-148): TYLQALPYFD[Arg138Trp]LDYVSMMCNE

ClinVar aggregate classification (germline): Uncertain significance. Review status: criteria provided, multiple submitters, no conflicts (2 of 4 stars). 4 submissions from 4 submitters: Uncertain significance (4). Last evaluated 2024-11-23.

Conditions:
Mitochondrial complex I deficiency, nuclear type 6. Also called: Mitochondrial complex 1 deficiency, nuclear type 6. Identifiers: MedGen C4748759, MONDO:0032611, OMIM 618228.

Allele frequency attached by ClinVar (database versions not stated): gnomAD exomes 0.00001.
gnomAD v4.1: 10 of 1,614,122 alleles (0.00062%); highest among the groups gnomAD compares: Non-Finnish European, 0.00085%; no homozygotes.

Submissions (4):

GeneDx
Classification: Uncertain significance. Last evaluated: 2024-11-23. Review status: criteria provided, single submitter. Criteria: GeneDx Variant Classification Process June 2021. Collection method: clinical testing. Allele origin: germline. Affected: yes.
Comment: Reported in the heterozygous state in a patient with Leigh syndrome spectrum who also harbored a homoplasmic variant in the MT-ND4 gene commonly associated with Leber hereditary optic neuropathy (PMID: 38478578); Not observed at significant frequency in large population cohorts (gnomAD); In silico analysis supports that this missense variant has a deleterious effect on protein structure/function; This variant is associated with the following publications: (PMID: 38478578)

Labcorp Genetics (formerly Invitae), Labcorp
Classification: Uncertain significance. Last evaluated: 2024-02-20. Review status: criteria provided, single submitter. Criteria: Invitae Variant Classification Sherloc (09022015). Collection method: clinical testing. Allele origin: germline.
Comment: This sequence change replaces arginine, which is basic and polar, with tryptophan, which is neutral and slightly polar, at codon 138 of the NDUFS2 protein (p.Arg138Trp). This variant is not present in population databases (gnomAD no frequency). This variant has not been reported in the literature in individuals affected with NDUFS2-related conditions. ClinVar contains an entry for this variant (Variation ID: 1422418). Advanced modeling of protein sequence and biophysical properties (such as structural, functional, and spatial information, amino acid conservation, physicochemical variation, residue mobility, and thermodynamic stability) performed at Invitae indicates that this missense variant is expected to disrupt NDUFS2 protein function with a positive predictive value of 80%. In summary, the available evidence is currently insufficient to determine the role of this variant in disease. Therefore, it has been classified as a Variant of Uncertain Significance.

Genome-Nilou Lab
Classification: Uncertain significance for Mitochondrial complex I deficiency, nuclear type 6. Last evaluated: 2023-04-11. Review status: criteria provided, single submitter. Criteria: ACMG Guidelines, 2015. Collection method: clinical testing. Allele origin: germline. Affected: no.

Laboratory of Inherited Metabolic Diseases, Research centre for medical genetics
Classification: Uncertain significance for Mitochondrial complex I deficiency, nuclear type 6. Last evaluated: 2023-01-31. Review status: criteria provided, single submitter. Criteria: ACMG Guidelines, 2015. Collection method: clinical testing. Allele origin: unknown. Inheritance: Autosomal recessive inheritance. Affected: yes. Observed: 1 variant allele.